The following is an entry in ClinVar:

ClinVar aggregate classification (germline): Likely pathogenic (1 of 4 stars; one submission).

Submission:

Labcorp Genetics (formerly Invitae), Labcorp
Classification: Likely pathogenic. Last evaluated: 2022-10-25. Review status: criteria provided, single submitter. Criteria: Invitae Variant Classification Sherloc (09022015). Collection method: clinical testing. Allele origin: germline.
Comment: In summary, the currently available evidence indicates that the variant is pathogenic, but additional data are needed to prove that conclusively. Therefore, this variant has been classified as Likely Pathogenic. Algorithms developed to predict the effect of sequence changes on RNA splicing suggest that this variant may disrupt the consensus splice site. ClinVar contains an entry for this variant (Variation ID: 1516129). This variant has not been reported in the literature in individuals affected with NFKB1-related conditions. This variant is not present in population databases (gnomAD no frequency). This sequence change affects a donor splice site in intron 18 of the NFKB1 gene. It is expected to disrupt RNA splicing. Variants that disrupt the donor or acceptor splice site typically lead to a loss of protein function (PMID: 16199547), and loss-of-function variants in NFKB1 are known to be pathogenic (PMID: 26279205, 29477724).

Literature cited by the submitters: PubMed 16199547; PubMed 26279205; PubMed 29477724.

NM_003998.4(NFKB1):c.2124+1G>A

Gene: NFKB1 (nuclear factor kappa B subunit 1; plus strand). Cytogenetic location: 4q24.
Variant type: single nucleotide variant.
Coding change: c.2124+1G>A on transcript NM_003998.4 (MANE Select); the canonical splice donor site of the intron after coding-DNA position 2124, G replaced by A.
Molecular consequence: splice donor variant.
Genome position (GRCh38, 1-based): chr4:102,607,320, G>A. VCF-style: chr4-102607320-G-A. GRCh37 (hg19) VCF-style: chr4-103528477-G-A.
Other names: c.2124+1G>A (NM_001382626.1, NM_001382625.1); c.2121+1G>A (NM_001382627.1, NM_001165412.2, NM_001319226.2); c.2082+1G>A (NM_001382628.1).
Identifiers: ClinVar variation 1516129 (VCV001516129.6), dbSNP rs2149221946, ClinGen allele CA357752636.